The following is an entry in ClinVar:

ClinVar aggregate classification (germline): Likely benign. Review status: criteria provided, multiple submitters, no conflicts (2 of 4 stars). 3 submissions from 3 submitters: Likely benign (3). Last evaluated 2023-12-13.

Conditions:
Diffuse cerebral and cerebellar atrophy - intractable seizures - progressive microcephaly syndrome. Also called: Microcephaly, progressive, with seizures and cerebral and cerebellar atrophy. Identifiers: Orphanet 404437, MedGen C4014239, MONDO:0014335, OMIM 615760.

gnomAD v4.1: 1 of 1,614,204 alleles (0.000062%); highest among the groups gnomAD compares: Non-Finnish European, 0.000085%; no homozygotes.

Submissions (3):

Labcorp Genetics (formerly Invitae), Labcorp
Classification: Likely benign for Diffuse cerebral and cerebellar atrophy - intractable seizures - progressive microcephaly syndrome. Last evaluated: 2023-12-13. Review status: criteria provided, single submitter. Criteria: Invitae Variant Classification Sherloc (09022015). Collection method: clinical testing. Allele origin: germline.

Blueprint Genetics
Classification: Likely benign. Last evaluated: 2021-06-22. Review status: criteria provided, single submitter. Criteria: ACMG Guidelines, 2015. Collection method: clinical testing. Allele origin: germline.

GeneDx
Classification: Likely benign. Last evaluated: 2016-09-12. Review status: criteria provided, single submitter. Criteria: GeneDx Variant Classification (06012015). Collection method: clinical testing. Allele origin: germline. Affected: yes.
Comment: This variant is considered likely benign or benign based on one or more of the following criteria: it is a conservative change, it occurs at a poorly conserved position in the protein, it is predicted to be benign by multiple in silico algorithms, and/or has population frequency not consistent with disease.

NM_005051.3(QARS1):c.243C>T (p.Ile81=)

Gene: QARS1 (glutaminyl-tRNA synthetase 1; minus strand). Cytogenetic location: 3p21.31.
Variant type: single nucleotide variant.
Coding change: c.243C>T on transcript NM_005051.3 (MANE Select); coding-DNA position 243, C replaced by T.
Protein change: p.Ile81=; no amino-acid change (isoleucine 81 retained).
Molecular consequence: synonymous variant. On other transcripts: intron variant (1).
Genome position (GRCh38, 1-based): chr3:49,104,346, G>A on the plus strand (C>T on the coding strand, the complement: QARS1 is on the minus strand). VCF-style: chr3-49104346-G-A. GRCh37 (hg19) VCF-style: chr3-49141779-G-A.
Other names: c.232+11C>T (NM_001272073.2).
Identifiers: ClinVar variation 389129 (VCV000389129.6), dbSNP rs754974684, ClinGen allele CA16604979.